The following is an entry in ClinVar:

NM_152542.5(PPM1K):c.1055A>G (p.Tyr352Cys)

Gene: PPM1K (protein phosphatase, Mg2+/Mn2+ dependent 1K; minus strand). Cytogenetic location: 4q22.1.
Variant type: single nucleotide variant.
Coding change: c.1055A>G on transcript NM_152542.5 (MANE Select); coding-DNA position 1055, A replaced by G.
Protein change: p.Tyr352Cys; replaces tyrosine 352 with cysteine.
Molecular consequence: missense variant.
Genome position (GRCh38, 1-based): chr4:88,262,659, T>C on the plus strand (A>G on the coding strand, the complement: PPM1K is on the minus strand). VCF-style: chr4-88262659-T-C. GRCh37 (hg19) VCF-style: chr4-89183811-T-C.
Other names: short protein forms Y352C.
Identifiers: ClinVar variation 1513815 (VCV001513815.5), dbSNP rs149003637, ClinGen allele CA3005106.

ClinVar aggregate classification (germline): Uncertain significance (1 of 4 stars; one submission).

Conditions:
Maple syrup urine disease, mild variant (MSUDMV). Identifiers: Orphanet 511, MedGen C3554575, MONDO:0014057, OMIM 615135.

Allele frequency attached by ClinVar (database versions not stated): gnomAD 0.00015 and 0.00016; gnomAD exomes 0.00016; TOPMed 0.00020; ExAC 0.00021; ESP Exome Variant Server 0.00031.
gnomAD v4.1: 289 of 1,614,086 alleles (0.018%); highest among the groups gnomAD compares: Middle Eastern, 0.15%; no homozygotes.

Submission:

Labcorp Genetics (formerly Invitae), Labcorp
Classification: Uncertain significance for Maple syrup urine disease, mild variant. Last evaluated: 2025-01-23. Review status: criteria provided, single submitter. Criteria: Invitae Variant Classification Sherloc (09022015). Collection method: clinical testing. Allele origin: germline.
Comment: This sequence change replaces tyrosine, which is neutral and polar, with cysteine, which is neutral and slightly polar, at codon 352 of the PPM1K protein (p.Tyr352Cys). This variant is present in population databases (rs149003637, gnomAD 0.03%). This variant has not been reported in the literature in individuals affected with PPM1K-related conditions. ClinVar contains an entry for this variant (Variation ID: 1513815). An algorithm developed to predict the effect of missense changes on protein structure and function (PolyPhen-2) suggests that this variant is likely to be disruptive. Algorithms developed to predict the effect of sequence changes on RNA splicing suggest that this variant may create or strengthen a splice site. In summary, the available evidence is currently insufficient to determine the role of this variant in disease. Therefore, it has been classified as a Variant of Uncertain Significance.